The following is an entry in ClinVar:

ClinVar aggregate classification (germline): Uncertain significance (1 of 4 stars; one submission).

Allele frequency attached by ClinVar (database versions not stated): TOPMed below 0.00001.
gnomAD v4.1: 1 of 1,613,394 alleles (0.000062%); highest among the groups gnomAD compares: Non-Finnish European, 0.000085%; no homozygotes.

Submission:

Labcorp Genetics (formerly Invitae), Labcorp
Classification: Uncertain significance. Last evaluated: 2021-11-10. Review status: criteria provided, single submitter. Criteria: Invitae Variant Classification Sherloc (09022015). Collection method: clinical testing. Allele origin: germline.
Comment: In summary, the available evidence is currently insufficient to determine the role of this variant in disease. Therefore, it has been classified as a Variant of Uncertain Significance. Algorithms developed to predict the effect of missense changes on protein structure and function (SIFT, PolyPhen-2, Align-GVGD) all suggest that this variant is likely to be disruptive. This variant has not been reported in the literature in individuals affected with MEOX1-related conditions. This variant is not present in population databases (gnomAD no frequency). This sequence change replaces alanine, which is neutral and non-polar, with serine, which is neutral and polar, at codon 177 of the MEOX1 protein (p.Ala177Ser).

NM_004527.4(MEOX1):c.529G>T (p.Ala177Ser)

Gene: MEOX1 (mesenchyme homeobox 1; minus strand). Cytogenetic location: 17q21.31.
Variant type: single nucleotide variant.
Coding change: c.529G>T on transcript NM_004527.4 (MANE Select); coding-DNA position 529, G replaced by T.
Protein change: p.Ala177Ser; replaces alanine 177 with serine.
Molecular consequence: missense variant. On other transcripts: intron variant (1).
Genome position (GRCh38, 1-based): chr17:43,643,601, C>A on the plus strand (G>T on the coding strand, the complement: MEOX1 is on the minus strand). VCF-style: chr17-43643601-C-A. GRCh37 (hg19) VCF-style: chr17-41720969-C-A.
Other names: c.184G>T, p.Ala62Ser (NM_001040002.2); c.470-1569G>T (NM_013999.4); short protein forms A177S, A62S.
Identifiers: ClinVar variation 1345139 (VCV001345139.5), dbSNP rs1413497167, ClinGen allele CA399903921.
Genomic context (GRCh38, chr17:43,643,601, plus strand): 5'-TCAGGTAGTTATGATGGGCAAACTCTGCCTCCAGCTCTCGCAGCTGCTCCTTGGTGAAGG[C>A]CGTCCTCTCCTTGCGGGCTTTGCTGCTGCCCTCCGGCTTCCCTCTGTTCTCCTGGTTGTC-3'
Protein context (NP_004518.1, residues 167-187): GSSKARKERT[Ala177Ser]FTKEQLRELE